The following is an entry in ClinVar:

NM_001010892.3(RSPH4A):c.1852C>T (p.Gln618Ter)

Gene: RSPH4A (radial spoke head component 4A; plus strand). Cytogenetic location: 6q22.1.
Variant type: single nucleotide variant.
Coding change: c.1852C>T on transcript NM_001010892.3 (MANE Select); coding-DNA position 1852, C replaced by T.
Protein change: p.Gln618Ter; replaces glutamine 618 with a stop codon.
Molecular consequence: nonsense. On other transcripts: synonymous variant (1).
Genome position (GRCh38, 1-based): chr6:116,630,488, C>T. VCF-style: chr6-116630488-C-T. GRCh37 (hg19) VCF-style: chr6-116951651-C-T.
Other names: c.1716C>T, p.His572= (NM_001161664.2); short protein forms Q618*.
Identifiers: ClinVar variation 2954703 (VCV002954703.3), dbSNP rs2482810190, ClinGen allele CA365410085.
Genomic context (GRCh38, chr6:116,630,488, plus strand): 5'-GTTCCAGAGATTCAGAATATACCCCCCTGGACAACACGGTTATCCTCAAATCTCATTCCA[C>T]AATATGCTATTGCAGTCCTTCAATCCAACCTTTGGCCTGGAGCATATGCCTTCTCCAATG-3'

ClinVar aggregate classification (germline): Pathogenic (1 of 4 stars; one submission).

Conditions:
Primary ciliary dyskinesia. Also called: Ciliary dyskinesia. Identifiers: Orphanet 244, MedGen C0008780, MONDO:0016575, HP:0012265.

Allele frequency attached by ClinVar (database versions not stated): gnomAD exomes below 0.00001.
gnomAD v4.1: 1 of 1,611,982 alleles (0.000062%); highest among the groups gnomAD compares: Non-Finnish European, 0.000085%; no homozygotes.

Submission:

Labcorp Genetics (formerly Invitae), Labcorp
Classification: Pathogenic for Primary ciliary dyskinesia. Last evaluated: 2023-07-28. Review status: criteria provided, single submitter. Criteria: Invitae Variant Classification Sherloc (09022015). Collection method: clinical testing. Allele origin: germline.
Comment: This variant has not been reported in the literature in individuals affected with RSPH4A-related conditions. For these reasons, this variant has been classified as Pathogenic. This sequence change creates a premature translational stop signal (p.Gln618*) in the RSPH4A gene. It is expected to result in an absent or disrupted protein product. Loss-of-function variants in RSPH4A are known to be pathogenic (PMID: 19200523). This variant is not present in population databases (gnomAD no frequency).

Literature cited by the submitters: PubMed 19200523.